The following is an entry in ClinVar:

ClinVar aggregate classification (germline): Benign. Review status: criteria provided, single submitter (1 of 4 stars). 2 submissions from 2 submitters: Benign (1). 1 of the submissions does not count toward it. Last evaluated 2025-09-09.

Conditions:
IARS1-related disorder. Also called: IARS1-related condition.

Allele frequency attached by ClinVar (database versions not stated): gnomAD exomes 0.00023; ExAC 0.00028; ESP Exome Variant Server 0.00077; gnomAD 0.00082 and 0.00085; TOPMed 0.00090; 1000 Genomes Project 30x 0.00156; 1000 Genomes Project 0.00200.
gnomAD v4.1: 233 of 1,612,046 alleles (0.014%); highest among the groups gnomAD compares: African/African-American, 0.27%; no homozygotes.

Submissions (2):

Labcorp Genetics (formerly Invitae), Labcorp
Classification: Benign. Last evaluated: 2025-09-09. Review status: criteria provided, single submitter. Criteria: Invitae Variant Classification Sherloc (09022015). Collection method: clinical testing. Allele origin: germline.

PreventionGenetics, part of Exact Sciences
Classification: Likely benign for IARS1-related condition. Last evaluated: 2020-01-06. Review status: no assertion criteria provided. Collection method: clinical testing. Allele origin: germline. Not counted in ClinVar's aggregate classification.
Comment: This variant is classified as likely benign based on ACMG/AMP sequence variant interpretation guidelines (Richards et al. 2015 PMID: 25741868, with internal and published modifications).

NM_002161.6(IARS1):c.1290T>C (p.Asn430=)

Gene: IARS1 (isoleucyl-tRNA synthetase 1; minus strand). Cytogenetic location: 9q22.31.
Variant type: single nucleotide variant.
Coding change: c.1290T>C on transcript NM_002161.6 (MANE Select); coding-DNA position 1290, T replaced by C.
Protein change: p.Asn430=; no amino-acid change (asparagine 430 retained).
Molecular consequence: synonymous variant. On other transcripts: non-coding transcript variant (1).
Genome position (GRCh38, 1-based): chr9:92,269,899, A>G on the plus strand (T>C on the coding strand, the complement: IARS1 is on the minus strand). VCF-style: chr9-92269899-A-G. GRCh37 (hg19) VCF-style: chr9-95032181-A-G.
Other names: c.1290T>C, p.Asn430= (NM_001374299.1, NM_001374300.1, NM_001374301.1 and 1 more transcripts).
Identifiers: ClinVar variation 730702 (VCV000730702.11), dbSNP rs139382751, ClinGen allele CA5122673.